The following is an entry in ClinVar:

ClinVar aggregate classification (germline): Likely benign (1 of 4 stars; one submission).

gnomAD v4.1: 34 of 1,613,758 alleles (0.0021%); highest among the groups gnomAD compares: South Asian, 0.031%; 1 homozygote.

Submission:

CeGaT Center for Human Genetics Tuebingen
Classification: Likely benign. Last evaluated: 2026-03-01. Review status: criteria provided, single submitter. Criteria: CeGaT Center For Human Genetics Tuebingen Variant Classification Criteria Version 2. Collection method: clinical testing. Allele origin: germline. Affected: yes. Observed: 1 variant allele.
Comment: CTRB1: BP4, BP7

NM_001906.6(CTRB1):c.762T>A (p.Pro254=)

Gene: CTRB1 (chymotrypsinogen B1; plus strand). Cytogenetic location: 16q23.1.
Variant type: single nucleotide variant.
Coding change: c.762T>A on transcript NM_001906.6 (MANE Select); coding-DNA position 762, T replaced by A.
Protein change: p.Pro254=; no amino-acid change (proline 254 retained).
Molecular consequence: synonymous variant. On other transcripts: missense variant (1).
Genome position (GRCh38, 1-based): chr16:75,224,836, T>A. VCF-style: chr16-75224836-T-A. GRCh37 (hg19) VCF-style: chr16-75258734-T-A.
Other names: c.628T>A, p.Leu210Met (NM_001329190.2); short protein forms L210M.
Identifiers: ClinVar variation 4821247 (VCV004821247.4).
Genomic context (GRCh38, chr16:75,224,836, plus strand): 5'-CAGCGACACCTGCTCCACCTCCAGCCCTGGCGTGTACGCCCGTGTCACCAAGCTCATACC[T>A]TGGGTGCAGAAGATCCTGGCTGCCAACTGAGCCCGCGGCTCCCTCCGACCCTGCTCCCCA-3'
Protein context (NP_001897.4, residues 244-263): GVYARVTKLI[Pro254=]WVQKILAAN